The following is an entry in ClinVar:

ClinVar aggregate classification (germline): Pathogenic (1 of 4 stars; one submission).

Submission:

CeGaT Center for Human Genetics Tuebingen
Classification: Pathogenic. Last evaluated: 2023-07-01. Review status: criteria provided, single submitter. Criteria: CeGaT Center For Human Genetics Tuebingen Variant Classification Criteria Version 2. Collection method: clinical testing. Allele origin: germline. Affected: yes. Observed: 1 variant allele.
Comment: SCN1A: PVS1, PM2, PS4:Supporting

NM_001165963.4(SCN1A):c.1850_1851del (p.Arg617fs)

Gene: SCN1A (sodium voltage-gated channel alpha subunit 1; minus strand). Cytogenetic location: 2q24.3.
Variant type: Microsatellite.
Coding change: c.1850_1851del on transcript NM_001165963.4 (MANE Select); coding-DNA positions 1850 to 1851, 2 bases deleted (GA; older notation c.1850_1851delGA).
Protein change: p.Arg617fs; shifts the reading frame from arginine 617.
Molecular consequence: frameshift variant. On other transcripts: 5 prime UTR variant (1), non-coding transcript variant (1).
Genome position (GRCh38, 1-based): chr2:166,043,861-166,043,862, TC deleted on the plus strand (GA on the coding strand, the reverse complement: SCN1A is on the minus strand); deleting any 2 consecutive bases within chr2:166,043,861-166,043,868 gives the same sequence; the c. name uses the placement nearest the transcript's 3' end. VCF-style (leftmost placement, unchanged base first): chr2-166043860-GTC-G. GRCh37 (hg19) VCF-style: chr2-166900370-GTC-G.
Other names: c.1850_1851del, p.Arg617fs (NM_001165964.3, NM_001202435.3, NM_001353948.2 and 7 more transcripts); c.1847_1848del, p.Arg616fs (NM_001353954.2, NM_001353955.2, NM_001353960.2); c.-582GA[3] (NM_001353961.2); short protein forms R616fs, R617fs.
Identifiers: ClinVar variation 2578872 (VCV002578872.25), dbSNP rs1559216338, ClinGen allele CA2580617926.